The following is an entry in ClinVar:

ClinVar aggregate classification (germline): Uncertain significance (1 of 4 stars; one submission).

Submission:

Labcorp Genetics (formerly Invitae), Labcorp
Classification: Uncertain significance. Last evaluated: 2021-11-14. Review status: criteria provided, single submitter. Criteria: Invitae Variant Classification Sherloc (09022015). Collection method: clinical testing. Allele origin: germline.
Comment: This sequence change replaces alanine, which is neutral and non-polar, with aspartic acid, which is acidic and polar, at codon 2077 of the PRPF8 protein (p.Ala2077Asp). In summary, the available evidence is currently insufficient to determine the role of this variant in disease. Therefore, it has been classified as a Variant of Uncertain Significance. This variant is not present in population databases (gnomAD no frequency). This variant has not been reported in the literature in individuals affected with PRPF8-related conditions. Algorithms developed to predict the effect of missense changes on protein structure and function are either unavailable or do not agree on the potential impact of this missense change (SIFT: "Deleterious"; PolyPhen-2: "Possibly Damaging"; Align-GVGD: "Class C0").

NM_006445.4(PRPF8):c.6230C>A (p.Ala2077Asp)

Gene: PRPF8 (pre-mRNA processing factor 8; minus strand). Cytogenetic location: 17p13.3.
Variant type: single nucleotide variant.
Coding change: c.6230C>A on transcript NM_006445.4 (MANE Select); coding-DNA position 6230, C replaced by A.
Protein change: p.Ala2077Asp; replaces alanine 2077 with aspartic acid.
Molecular consequence: missense variant.
Genome position (GRCh38, 1-based): chr17:1,653,681, G>T on the plus strand (C>A on the coding strand, the complement: PRPF8 is on the minus strand). VCF-style: chr17-1653681-G-T. GRCh37 (hg19) VCF-style: chr17-1556975-G-T.
Other names: short protein forms A2077D.
Identifiers: ClinVar variation 1401219 (VCV001401219.6), dbSNP rs2151111227, ClinGen allele CA397566830.